The following is an entry in ClinVar:

NM_001401501.2(MUC16):c.37523+9T>C

Gene: MUC16 (mucin 16, cell surface associated; minus strand). Cytogenetic location: 19p13.2.
Variant type: single nucleotide variant.
Coding change: c.37523+9T>C on transcript NM_001401501.2 (MANE Select); 9 bases into the intron after coding-DNA position 37523, T replaced by C.
Molecular consequence: intron variant.
Genome position (GRCh38, 1-based): chr19:8,910,080, A>G on the plus strand (T>C on the coding strand, the complement: MUC16 is on the minus strand). VCF-style: chr19-8910080-A-G. GRCh37 (hg19) VCF-style: chr19-9020756-A-G.
Other names: c.37949+9T>C (NM_001414686.1); c.37403+9T>C (NM_001414687.1); c.37337+9T>C (NM_024690.2).
Identifiers: ClinVar variation 3049967 (VCV003049967.2), dbSNP rs537430041, ClinGen allele CA9165248.

ClinVar aggregate classification (germline): Likely benign (0 of 4 stars; one submission).

Conditions:
MUC16-related disorder. Also called: MUC16-related condition.

Allele frequency attached by ClinVar (database versions not stated): gnomAD exomes 0.00001; gnomAD 0.00005; TOPMed 0.00006; ExAC 0.00007; 1000 Genomes Project 0.00020.

Submission:

PreventionGenetics, part of Exact Sciences
Classification: Likely benign for MUC16-related condition. Last evaluated: 2019-07-15. Review status: no assertion criteria provided. Collection method: clinical testing. Allele origin: germline.
Comment: This variant is classified as likely benign based on ACMG/AMP sequence variant interpretation guidelines (Richards et al. 2015 PMID: 25741868, with internal and published modifications).